The following is an entry in ClinVar:

ClinVar aggregate classification (germline): Uncertain significance. Review status: criteria provided, multiple submitters, no conflicts (2 of 4 stars). 2 submissions from 2 submitters: Uncertain significance (2). Last evaluated 2025-12-23.

Allele frequency attached by ClinVar (database versions not stated): gnomAD 0.00001; gnomAD exomes 0.00001; TOPMed 0.00002.
gnomAD v4.1: 12 of 1,599,990 alleles (0.00075%); highest among the groups gnomAD compares: South Asian, 0.0044%; 1 homozygote.

Submissions (2):

Labcorp Genetics (formerly Invitae), Labcorp
Classification: Uncertain significance. Last evaluated: 2025-12-23. Review status: criteria provided, single submitter. Criteria: Invitae Variant Classification Sherloc (09022015). Collection method: clinical testing. Allele origin: germline.
Comment: This sequence change replaces isoleucine, which is neutral and non-polar, with threonine, which is neutral and polar, at codon 577 of the GEN1 protein (p.Ile577Thr). This variant is present in population databases (no rsID available, gnomAD 0.003%). This variant has not been reported in the literature in individuals affected with GEN1-related conditions. ClinVar contains an entry for this variant (Variation ID: 855010). An algorithm developed to predict the effect of missense changes on protein structure and function outputs the following: PolyPhen-2: "Benign". The threonine amino acid residue is found in multiple mammalian species, which suggests that this missense change does not adversely affect protein function. Experimental studies have shown that this missense change affects GEN1 function (PMID: 38654324). In summary, the available evidence is currently insufficient to determine the role of this variant in disease. Therefore, it has been classified as a Variant of Uncertain Significance.

Ambry Genetics
Classification: Uncertain significance. Last evaluated: 2024-12-06. Review status: criteria provided, single submitter. Criteria: Ambry Variant Classification Scheme 2023. Collection method: clinical testing. Allele origin: germline.
Comment: The p.I577T variant (also known as c.1730T>C), located in coding exon 13 of the GEN1 gene, results from a T to C substitution at nucleotide position 1730. The isoleucine at codon 577 is replaced by threonine, an amino acid with similar properties. This amino acid position is conserved. In addition, this alteration is predicted to be tolerated by in silico analysis. Based on the available evidence, the clinical significance of this variant remains unclear.

Literature cited by the submitters: PubMed 38654324 (cited by Labcorp Genetics (formerly Invitae), Labcorp).

NM_001130009.3(GEN1):c.1730T>C (p.Ile577Thr)

Gene: GEN1 (GEN1 structure-specific endonuclease; plus strand). Cytogenetic location: 2p24.2.
Variant type: single nucleotide variant.
Coding change: c.1730T>C on transcript NM_001130009.3 (MANE Select); coding-DNA position 1730, T replaced by C.
Protein change: p.Ile577Thr; replaces isoleucine 577 with threonine.
Molecular consequence: missense variant.
Genome position (GRCh38, 1-based): chr2:17,780,942, T>C. VCF-style: chr2-17780942-T-C. GRCh37 (hg19) VCF-style: chr2-17962209-T-C.
Other names: c.1730T>C, p.Ile577Thr (NM_182625.5); c.1730T>C (NM_001130009.1); short protein forms I577T.
Identifiers: ClinVar variation 855010 (VCV000855010.11), dbSNP rs1358965553, ClinGen allele CA345926500.
Genomic context (GRCh38, chr2:17,780,942, plus strand): 5'-AAGCTGTCAGTAAGTCTCTAATTTCAGAATCTAGTCAACCCAATACCTCATCTCATAATA[T>C]ATCCGTGATTGCTGATCTACACTTGAGCACTATTGACTGGGAAGGTACTTCTTTTAGTAA-3'
Protein context (NP_001123481.3, residues 567-587): SSQPNTSSHN[Ile577Thr]SVIADLHLST